The following is an entry in ClinVar:

NM_000052.7(ATP7A):c.2444T>C (p.Leu815Pro)

Gene: ATP7A (ATPase copper transporting alpha; plus strand). Cytogenetic location: Xq21.1.
Variant type: single nucleotide variant.
Coding change: c.2444T>C on transcript NM_000052.7 (MANE Select); coding-DNA position 2444, T replaced by C.
Protein change: p.Leu815Pro; replaces leucine 815 with proline.
Molecular consequence: missense variant.
Genome position (GRCh38, 1-based): chrX:78,014,699, T>C. VCF-style: chrX-78014699-T-C. GRCh37 (hg19) VCF-style: chrX-77270196-T-C.
Other names: c.2210T>C, p.Leu737Pro (NM_001282224.2); short protein forms L737P, L815P.
Identifiers: ClinVar variation 1710431 (VCV001710431.3), dbSNP rs2522358917, ClinGen allele CA413599930.

ClinVar aggregate classification (germline): Uncertain significance (1 of 4 stars; one submission).

Submission:

Greenwood Genetic Center Diagnostic Laboratories, Greenwood Genetic Center
Classification: Uncertain significance. Last evaluated: 2022-09-30. Review status: criteria provided, single submitter. Criteria: ACMG Guidelines, 2015. Collection method: clinical testing. Allele origin: germline. Affected: yes.
Comment: PM2 PP3